The following is an entry in ClinVar:

NM_014989.7(RIMS1):c.1703A>C (p.Asp568Ala)

Gene: RIMS1 (regulating synaptic membrane exocytosis 1; plus strand). Cytogenetic location: 6q13.
Variant type: single nucleotide variant.
Coding change: c.1703A>C on transcript NM_014989.7 (MANE Select); coding-DNA position 1703, A replaced by C.
Protein change: p.Asp568Ala; replaces aspartic acid 568 with alanine.
Molecular consequence: missense variant. On other transcripts: 5 prime UTR variant (9).
Genome position (GRCh38, 1-based): chr6:72,233,797, A>C. VCF-style: chr6-72233797-A-C. GRCh37 (hg19) VCF-style: chr6-72943500-A-C.
Other names: c.125A>C, p.Asp42Ala (NM_001350415.2, NM_001350416.2, NM_001350417.2 and 37 more transcripts); c.56A>C, p.Asp19Ala (NM_001350421.2, NM_001350424.2, NM_001350428.2 and 6 more transcripts); c.-119A>C (NM_001168409.2, NM_001350461.2, NM_001350463.2 and 6 more transcripts); c.80A>C, p.Asp27Ala (NM_001168410.2, NM_001350470.2, NM_001350472.2 and 2 more transcripts); short protein forms D19A, D27A, D42A, D568A.
Identifiers: ClinVar variation 1948401 (VCV001948401.5), dbSNP rs1589871427, ClinGen allele CA364823374.

ClinVar aggregate classification (germline): Uncertain significance (1 of 4 stars; one submission).

Allele frequency attached by ClinVar (database versions not stated): gnomAD exomes below 0.00001; TOPMed 0.00002.
gnomAD v4.1: 1 of 1,579,724 alleles (0.000063%); highest among the groups gnomAD compares: South Asian, 0.0012%; no homozygotes.

Submission:

Labcorp Genetics (formerly Invitae), Labcorp
Classification: Uncertain significance. Last evaluated: 2022-10-17. Review status: criteria provided, single submitter. Criteria: Invitae Variant Classification Sherloc (09022015). Collection method: clinical testing. Allele origin: germline.
Comment: In summary, the available evidence is currently insufficient to determine the role of this variant in disease. Therefore, it has been classified as a Variant of Uncertain Significance. Algorithms developed to predict the effect of missense changes on protein structure and function (SIFT, PolyPhen-2, Align-GVGD) all suggest that this variant is likely to be disruptive. This variant has not been reported in the literature in individuals affected with RIMS1-related conditions. This variant is not present in population databases (gnomAD no frequency). This sequence change replaces aspartic acid, which is acidic and polar, with alanine, which is neutral and non-polar, at codon 568 of the RIMS1 protein (p.Asp568Ala).